The following is an entry in ClinVar:

NM_006618.5(KDM5B):c.1313T>C (p.Phe438Ser)

Gene: KDM5B (lysine demethylase 5B; minus strand). Cytogenetic location: 1q32.1.
Variant type: single nucleotide variant.
Coding change: c.1313T>C on transcript NM_006618.5 (MANE Select); coding-DNA position 1313, T replaced by C.
Protein change: p.Phe438Ser; replaces phenylalanine 438 with serine.
Molecular consequence: missense variant.
Genome position (GRCh38, 1-based): chr1:202,756,401, A>G on the plus strand (T>C on the coding strand, the complement: KDM5B is on the minus strand). VCF-style: chr1-202756401-A-G. GRCh37 (hg19) VCF-style: chr1-202725529-A-G.
Other names: c.1421T>C, p.Phe474Ser (NM_001314042.2); c.1178T>C, p.Phe393Ser (NM_001347591.2); c.1298T>C, p.Phe433Ser (NM_001399817.1); short protein forms F393S, F438S, F474S, F433S.
Identifiers: ClinVar variation 1029058 (VCV001029058.2), dbSNP rs1656013992, ClinGen allele CA344271176.

ClinVar aggregate classification (germline): Uncertain significance (1 of 4 stars; one submission).

Conditions:
Intellectual developmental disorder, autosomal recessive 65. Also called: Intellectual disability, autosomal recessive 65; MENTAL RETARDATION, AUTOSOMAL RECESSIVE 65. Identifiers: MedGen C4748219, MONDO:0020850, OMIM 618109.

Submission:

Baylor Genetics
Classification: Uncertain significance for Intellectual developmental disorder, autosomal recessive 65. Last evaluated: 2019-04-11. Review status: criteria provided, single submitter. Criteria: ACMG Guidelines, 2015. Collection method: clinical testing. Allele origin: maternal. Affected: yes.
Comment: This variant was determined to be of uncertain significance according to ACMG Guidelines, 2015 [PMID:25741868].